The following is an entry in ClinVar:

ClinVar aggregate classification (germline): Uncertain significance. Review status: criteria provided, multiple submitters, no conflicts (2 of 4 stars). 9 submissions from 9 submitters: Uncertain significance (6). 3 of the submissions do not count toward it. Last evaluated 2025-12-24.

Conditions:
MASS syndrome (OCTD). Also called: OVERLAP CONNECTIVE TISSUE DISEASE; MASS PHENOTYPE. Identifiers: MedGen C1858556, MONDO:0011431, OMIM 604308.
Progeroid and marfanoid aspect-lipodystrophy syndrome. Also called: MARFANOID-PROGEROID SYNDROME; MARFAN-PROGEROID-LIPODYSTROPHY SYNDROME; Marfan lipodystrophy syndrome; MARFANOID-PROGEROID-LIPODYSTROPHY SYNDROME. Identifiers: Orphanet 300382, MedGen C4310796, MONDO:0014831, OMIM 616914.
Ectopia lentis 1, isolated, autosomal dominant (ECTOL1). Identifiers: Orphanet 1885, MedGen C3541518, MONDO:0007514, OMIM 129600.
Weill-Marchesani syndrome 2, dominant. Also called: Weill-Marchesani Syndrome, Autosomal Dominant; FBN1-Related Weill-Marchesani Syndrome. Identifiers: Orphanet 2084, MedGen C1869115, MONDO:0012013, OMIM 608328.
Acromicric dysplasia (ACMICD). Also called: Acromicric skeletal dysplasia. Identifiers: Orphanet 969, MedGen C0265287, MONDO:0007055, OMIM 102370.
Geleophysic dysplasia 2 (GPHYSD2). Identifiers: Orphanet 2623, MedGen C3280054, MONDO:0013612, OMIM 614185.
Stiff skin syndrome (SSKS). Identifiers: Orphanet 2833, MedGen C1861456, MONDO:0008492, OMIM 184900.
Marfan syndrome (MFS). Also called: Marfan syndrome type 1; Marfan syndrome, classic; Marfan's syndrome; FBN1-Related Marfan Syndrome; MARFAN SYNDROME, TYPE I. Identifiers: Orphanet 284963, Orphanet 558, MedGen C0024796, MONDO:0007947, OMIM 154700.
Familial thoracic aortic aneurysm and aortic dissection (TAAD). Also called: Thoracic aortic aneurysms and dissections. Identifiers: Orphanet 91387, MedGen C4707243, MONDO:0019625.

Allele frequency attached by ClinVar (database versions not stated): gnomAD 0.00001; ExAC 0.00003; TOPMed 0.00003.
gnomAD v4.1: 44 of 1,613,760 alleles (0.0027%); highest among the groups gnomAD compares: African/African-American, 0.004%; no homozygotes.

Submissions (9):

Ambry Genetics
Classification: Uncertain significance for Familial thoracic aortic aneurysm and aortic dissection. Last evaluated: 2025-12-24. Review status: criteria provided, single submitter. Criteria: Ambry Variant Classification Scheme 2023. Collection method: clinical testing. Allele origin: germline.

Labcorp Genetics (formerly Invitae), Labcorp
Classification: Uncertain significance for Marfan syndrome; Familial thoracic aortic aneurysm and aortic dissection. Last evaluated: 2025-09-01. Review status: criteria provided, single submitter. Criteria: Invitae Variant Classification Sherloc (09022015). Collection method: clinical testing. Allele origin: germline.
Comment: This sequence change replaces aspartic acid, which is acidic and polar, with glycine, which is neutral and non-polar, at codon 288 of the FBN1 protein (p.Asp288Gly). This variant is present in population databases (rs565078451, gnomAD 0.008%). This missense change has been observed in individuals with Marfan syndrome and/or thoracic aortic aneurysm and dissection (PMID: 31098894, 36517271). ClinVar contains an entry for this variant (Variation ID: 519791). An algorithm developed to predict the effect of missense changes on protein structure and function (PolyPhen-2) suggests that this variant is likely to be disruptive. In summary, the available evidence is currently insufficient to determine the role of this variant in disease. Therefore, it has been classified as a Variant of Uncertain Significance.

Color Diagnostics, LLC DBA Color Health
Classification: Uncertain significance for Familial thoracic aortic aneurysm and aortic dissection. Last evaluated: 2025-05-20. Review status: criteria provided, single submitter. Criteria: ACMG Guidelines, 2015. Collection method: clinical testing. Allele origin: germline.
Comment: This missense variant replaces aspartic acid with glycine at codon 288 of the FBN1 protein. This variant changes the first aspartic acid residue in the calcium-binding consensus sequence D/N-x-D/N-E/Q- Xm-D/N-Xn-Y/F in a cbEGF-like domain of the FBN1 protein and is expected to adversely affect FBN1 protein function (PMID: 31227806). Computational prediction suggests that this variant may have a deleterious impact on protein structure and function. To our knowledge, functional studies have not been reported for this variant. This variant has been reported in two individuals affected with Marfan syndrome (PMID: 31098894, 38958168). One of these individuals also carried a pathogenic variant in the same gene (PMID: 36517271). This variant has also been reported in two individuals affected with thoracic aortic aneurysm and dissection (PMID: 36517271). This variant has been identified in 12/282652 chromosomes in the general population by the Genome Aggregation Database (gnomAD). The available evidence is insufficient to determine the role of this variant in disease conclusively. Therefore, this variant is classified as a Variant of Uncertain Significance.

Women's Health and Genetics/Laboratory Corporation of America, LabCorp
Classification: Uncertain significance. Last evaluated: 2024-02-20. Review status: criteria provided, single submitter. Criteria: LabCorp Variant Classification Summary - May 2015. Collection method: clinical testing. Allele origin: germline.
Comment: Variant summary: FBN1 c.863A>G (p.Asp288Gly) results in a non-conservative amino acid change located in the EGF-like domain (IPR000742) of the encoded protein sequence. Five of five in-silico tools predict a damaging effect of the variant on protein function. This variant alters a nucleotide in the exonic splice region of Exon 9. Consensus agreement among computation tools predict no significant impact on normal splicing. However, these predictions have yet to be confirmed by functional studies. The variant allele was found at a frequency of 3.6e-05 in 251274 control chromosomes. The available data on variant occurrences in the general population are insufficient to allow any conclusion about variant significance. c.863A>G has been reported in the literature in cis with another missense (VUS-Possibly Pothogenic at our lab) in one individual affected with Marfan Syndrome (example, Li_2019). These report(s) do not provide unequivocal conclusions about association of the variant with Aortopathy. To our knowledge, no experimental evidence demonstrating an impact on protein function has been reported. The following publication have been ascertained in the context of this evaluation (PMID: 31098894). ClinVar contains an entry for this variant (Variation ID: 519791). Based on the evidence outlined above, the variant was classified as uncertain significance.

All of Us Research Program, National Institutes of Health
Classification: Uncertain significance for Marfan syndrome. Last evaluated: 2023-08-15. Review status: criteria provided, single submitter. Criteria: ACMG Guidelines, 2015. Collection method: clinical testing. Allele origin: germline. Inheritance: Autosomal dominant inheritance. Observed: 5 variant alleles, 5 heterozygotes.
Comment: This missense variant replaces aspartic acid with glycine at codon 288 of the FBN1 protein. Computational prediction suggests that this variant may have deleterious impact on protein structure and function (internally defined REVEL score threshold >= 0.7, PMID: 27666373). To our knowledge, functional studies have not been reported for this variant. This variant has been reported in an individual affected with Marfan syndrome (PMID: 31098894). This individual also carried a pathogenic covariant in the same gene but phase of these two FBN1 variants was unknown. This variant has been identified in 12/282652 chromosomes in the general population by the Genome Aggregation Database (gnomAD). The available evidence is insufficient to determine the role of this variant in disease conclusively. Therefore, this variant is classified as a Variant of Uncertain Significance.

This study involves interpretation of variants in research participants for the purpose of population health screening. Participant phenotype was not available at the time of variant classification. Additional details can be found in publication PMID: 35346344, PMCID: PMC8962531

Fulgent Genetics
Classification: Uncertain significance for Acromicric dysplasia; Ectopia lentis 1, isolated, autosomal dominant; Marfan syndrome; Stiff skin syndrome; MASS syndrome; Weill-Marchesani syndrome 2, dominant; Geleophysic dysplasia 2; Progeroid and marfanoid aspect-lipodystrophy syndrome. Last evaluated: 2021-10-17. Review status: criteria provided, single submitter. Criteria: ACMG Guidelines, 2015. Collection method: clinical testing. Allele origin: unknown.

Center for Medical Genetics Ghent, University of Ghent
Classification: Uncertain significance for Marfan syndrome. Last evaluated: 2017-11-07. Review status: no assertion criteria provided. Collection method: clinical testing. Allele origin: germline. Affected: yes. Not counted in ClinVar's aggregate classification.

Clinical Genetics DNA and cytogenetics Diagnostics Lab, Erasmus MC, Erasmus Medical Center
Classification: Uncertain significance. Review status: no assertion criteria provided. Collection method: clinical testing. Allele origin: germline. Affected: yes. Study: VKGL Data-share Consensus. Not counted in ClinVar's aggregate classification.

Diagnostic Laboratory, Department of Genetics, University Medical Center Groningen
Classification: Uncertain significance. Review status: no assertion criteria provided. Collection method: clinical testing. Allele origin: germline. Affected: yes. Study: VKGL Data-share Consensus. Not counted in ClinVar's aggregate classification.

Literature cited by the submitters: PubMed 31098894 (cited by 4 submitters); PubMed 36517271 (cited by Labcorp Genetics (formerly Invitae), Labcorp and Color Diagnostics, LLC DBA Color Health); PubMed 31227806 (cited by Color Diagnostics, LLC DBA Color Health); PubMed 38958168 (cited by Color Diagnostics, LLC DBA Color Health).

NM_000138.5(FBN1):c.863A>G (p.Asp288Gly)

Gene: FBN1 (fibrillin 1; minus strand). Cytogenetic location: 15q21.1.
Variant type: single nucleotide variant.
Coding change: c.863A>G on transcript NM_000138.5 (MANE Select); coding-DNA position 863, A replaced by G.
Protein change: p.Asp288Gly; replaces aspartic acid 288 with glycine.
Molecular consequence: missense variant.
Genome position (GRCh38, 1-based): chr15:48,526,255, T>C on the plus strand (A>G on the coding strand, the complement: FBN1 is on the minus strand). VCF-style: chr15-48526255-T-C. GRCh37 (hg19) VCF-style: chr15-48818452-T-C.
Other names: short protein forms D288G.
Identifiers: ClinVar variation 519791 (VCV000519791.37), dbSNP rs565078451, ClinGen allele CA060316.